The following is an entry in ClinVar:

ClinVar aggregate classification (germline): Uncertain significance (1 of 4 stars; one submission).

Conditions:
Dyskeratosis congenita, autosomal dominant 2. Identifiers: MedGen C3151443, MONDO:0013521, OMIM 613989.
Idiopathic Pulmonary Fibrosis. Also called: Idiopathic fibrosing alveolitis, chronic form; idiopathic fibrosing alveolitis. Identifiers: Orphanet 2032, MedGen C1800706, MeSH D054990, MONDO:0800504.

Submission:

Labcorp Genetics (formerly Invitae), Labcorp
Classification: Uncertain significance for Dyskeratosis congenita, autosomal dominant 2; Idiopathic Pulmonary Fibrosis. Last evaluated: 2021-11-04. Review status: criteria provided, single submitter. Criteria: Invitae Variant Classification Sherloc (09022015). Collection method: clinical testing. Allele origin: germline.
Comment: Variants that disrupt the consensus splice site are a relatively common cause of aberrant splicing (PMID: 17576681, 9536098). Algorithms developed to predict the effect of sequence changes on RNA splicing suggest that this variant may create or strengthen a splice site. This variant has not been reported in the literature in individuals affected with TERT-related conditions. This variant is not present in population databases (gnomAD no frequency). This sequence change falls in intron 15 of the TERT gene. It does not directly change the encoded amino acid sequence of the TERT protein. It affects a nucleotide within the consensus splice site. In summary, the available evidence is currently insufficient to determine the role of this variant in disease. Therefore, it has been classified as a Variant of Uncertain Significance.

Literature cited by the submitters: PubMed 17576681; PubMed 9536098.

NM_198253.3(TERT):c.3295+2C>T

Gene: TERT (telomerase reverse transcriptase; minus strand). Cytogenetic location: 5p15.33.
Variant type: single nucleotide variant.
Coding change: c.3295+2C>T on transcript NM_198253.3 (MANE Select); the canonical splice donor site of the intron after coding-DNA position 3295, C replaced by T.
Molecular consequence: splice donor variant.
Genome position (GRCh38, 1-based): chr5:1,254,366, G>A on the plus strand (C>T on the coding strand, the complement: TERT is on the minus strand). VCF-style: chr5-1254366-G-A. GRCh37 (hg19) VCF-style: chr5-1254481-G-A.
Other names: c.3106+2C>T (NM_001193376.3).
Identifiers: ClinVar variation 1349277 (VCV001349277.6), dbSNP rs2126559316, ClinGen allele CA359067017.